The following is an entry in ClinVar:

ClinVar aggregate classification (germline): Uncertain significance. Review status: criteria provided, single submitter (1 of 4 stars). 3 submissions from 3 submitters: Uncertain significance (1). 2 of the submissions do not count toward it. Last evaluated 2022-10-24.

Conditions:
PCDH15-related disorder. Also called: PCDH15-related disorders; PCDH15-related condition.
Usher syndrome type 1F (USH1F). Also called: USHER SYNDROME, TYPE IF. Identifiers: Orphanet 231169, Orphanet 886, MedGen C1865885, MONDO:0011186, OMIM 602083.

Allele frequency attached by ClinVar (database versions not stated): ExAC 0.00004; gnomAD 0.00004 and 0.00006; gnomAD exomes 0.00005 and 0.00010; TOPMed 0.00005; ESP Exome Variant Server 0.00015.
gnomAD v4.1: 153 of 1,613,830 alleles (0.0095%); highest among the groups gnomAD compares: Non-Finnish European, 0.013%; no homozygotes.

Submissions (3):

Labcorp Genetics (formerly Invitae), Labcorp
Classification: Uncertain significance. Last evaluated: 2022-10-24. Review status: criteria provided, single submitter. Criteria: Invitae Variant Classification Sherloc (09022015). Collection method: clinical testing. Allele origin: germline.
Comment: This sequence change replaces valine, which is neutral and non-polar, with isoleucine, which is neutral and non-polar, at codon 796 of the PCDH15 protein (p.Val796Ile). This variant is present in population databases (rs374715306, gnomAD 0.01%). This variant has not been reported in the literature in individuals affected with PCDH15-related conditions. ClinVar contains an entry for this variant (Variation ID: 1010145). Advanced modeling of protein sequence and biophysical properties (such as structural, functional, and spatial information, amino acid conservation, physicochemical variation, residue mobility, and thermodynamic stability) performed at Invitae indicates that this missense variant is not expected to disrupt PCDH15 protein function. In summary, the available evidence is currently insufficient to determine the role of this variant in disease. Therefore, it has been classified as a Variant of Uncertain Significance.

PreventionGenetics, part of Exact Sciences
Classification: Uncertain significance for PCDH15-related condition. Last evaluated: 2024-08-27. Review status: no assertion criteria provided. Collection method: clinical testing. Allele origin: germline. Not counted in ClinVar's aggregate classification.
Comment: The PCDH15 c.2386G>A variant is predicted to result in the amino acid substitution p.Val796Ile. To our knowledge, this variant has not been reported in the literature. This variant is reported in 0.010% of alleles in individuals of European (Non-Finnish) descent in gnomAD. At this time, the clinical significance of this variant is uncertain due to the absence of conclusive functional and genetic evidence.

Natera, Inc.
Classification: Uncertain significance for Usher syndrome type 1F. Last evaluated: 2020-03-17. Review status: no assertion criteria provided. Collection method: clinical testing. Allele origin: germline. Not counted in ClinVar's aggregate classification.

NM_001384140.1(PCDH15):c.2386G>A (p.Val796Ile)

Gene: PCDH15 (protocadherin related 15; minus strand). Cytogenetic location: 10q21.1.
Variant type: single nucleotide variant.
Coding change: c.2386G>A on transcript NM_001384140.1 (MANE Select); coding-DNA position 2386, G replaced by A.
Protein change: p.Val796Ile; replaces valine 796 with isoleucine.
Molecular consequence: missense variant.
Genome position (GRCh38, 1-based): chr10:54,023,032, C>T on the plus strand (G>A on the coding strand, the complement: PCDH15 is on the minus strand). VCF-style: chr10-54023032-C-T. GRCh37 (hg19) VCF-style: chr10-55782792-C-T.
Other names: c.2386G>A (NM_033056.3); c.2401G>A, p.Val801Ile (NM_001142763.2, NM_001142771.2); c.2386G>A, p.Val796Ile (NM_001142764.2, NM_001142766.2, NM_001142770.3 and 5 more transcripts); c.2173G>A, p.Val725Ile (NM_001142765.2); c.2275G>A, p.Val759Ile (NM_001142767.2); c.2320G>A, p.Val774Ile (NM_001142768.2, NM_001142773.2, NM_001354404.2); c.2422G>A, p.Val808Ile (NM_001142769.4); c.2407G>A, p.Val803Ile (NM_001354411.2); short protein forms V725I, V759I, V774I, V796I, V801I, V803I, V808I.
Identifiers: ClinVar variation 1010145 (VCV001010145.6), dbSNP rs374715306, ClinGen allele CA5506039.